The following is an entry in ClinVar:

ClinVar aggregate classification (germline): Likely benign (1 of 4 stars; one submission).

Allele frequency attached by ClinVar (database versions not stated): 1000 Genomes Project 30x 0.00250; 1000 Genomes Project 0.00260; ExAC 0.00443; gnomAD 0.00474; TOPMed 0.00520; ESP Exome Variant Server 0.00559; gnomAD exomes 0.00661.
gnomAD v4.1: 10,304 of 1,613,992 alleles (0.64%); highest among the groups gnomAD compares: Non-Finnish European, 0.8%; 38 homozygotes.

Submissions (6):

CeGaT Center for Human Genetics Tuebingen
Classification: Likely benign. Last evaluated: 2026-09-01. Review status: criteria provided, single submitter. Criteria: CeGaT Center For Human Genetics Tuebingen Variant Classification Criteria Version 2. Collection method: clinical testing. Allele origin: germline. Affected: yes. Observed: 17 variant alleles.
Comment: RFX7: BP4, BP7, BS2

Dr. Peter K. Rogan Lab, Western University
No classification provided (evidence only). Condition: Lung cancer. Review status: no classification provided. Collection method: in vitro. Allele origin: not applicable. Functional consequence: retained intron. Not counted in ClinVar's aggregate classification.

Dr. Peter K. Rogan Lab, Western University
No classification provided (evidence only). Condition: Thyroid cancer, nonmedullary, 1. Review status: no classification provided. Collection method: in vitro. Allele origin: not applicable. Functional consequence: retained intron. Not counted in ClinVar's aggregate classification.

Dr. Peter K. Rogan Lab, Western University
No classification provided (evidence only). Condition: Nonpapillary renal cell carcinoma. Review status: no classification provided. Collection method: in vitro. Allele origin: not applicable. Functional consequence: retained intron. Not counted in ClinVar's aggregate classification.

Dr. Peter K. Rogan Lab, Western University
No classification provided (evidence only). Condition: Thymoma. Review status: no classification provided. Collection method: in vitro. Allele origin: not applicable. Functional consequence: retained intron. Not counted in ClinVar's aggregate classification.

Dr. Peter K. Rogan Lab, Western University
No classification provided (evidence only). Condition: Ovarian serous cystadenocarcinoma. Review status: no classification provided. Collection method: in vitro. Allele origin: not applicable. Functional consequence: retained intron. Not counted in ClinVar's aggregate classification.

NM_022841.7(RFX7):c.2574A>G (p.Gln858=)

Gene: RFX7 (regulatory factor X7; minus strand). Cytogenetic location: 15q21.3.
Variant type: single nucleotide variant.
Coding change: c.2574A>G on transcript NM_022841.7 (MANE Select); coding-DNA position 2574, A replaced by G.
Protein change: p.Gln858=; no amino-acid change (glutamine 858 retained).
Molecular consequence: synonymous variant.
Genome position (GRCh38, 1-based): chr15:56,095,154, T>C on the plus strand (A>G on the coding strand, the complement: RFX7 is on the minus strand). VCF-style: chr15-56095154-T-C. GRCh37 (hg19) VCF-style: chr15-56387352-T-C.
Other names: NC_000015.9:g.56387352T>C; c.2283A>G, p.Gln761= (NM_001368073.2, NM_001368074.1, NM_001370554.1); c.2574A>G, p.Gln858= (NM_001370561.1).
Identifiers: ClinVar variation 2645373 (VCV002645373.25), dbSNP rs117528481, ClinGen allele CA7578105.